The following is an entry in ClinVar:

ClinVar aggregate classification (germline): Uncertain significance (1 of 4 stars; one submission).

Conditions:
Primary familial hypertrophic cardiomyopathy (HCM). Identifiers: Orphanet 99739, MedGen C0949658, MeSH D024741, MONDO:0024573. Inheritance: Various modes of inheritance.

Allele frequency attached by ClinVar (database versions not stated): ExAC 0.00002.
gnomAD v4.1: 13 of 1,614,184 alleles (0.00081%); highest among the groups gnomAD compares: Middle Eastern, 0.033%; no homozygotes.

Submission:

Labcorp Genetics (formerly Invitae), Labcorp
Classification: Uncertain significance for Primary familial hypertrophic cardiomyopathy. Last evaluated: 2024-01-18. Review status: criteria provided, single submitter. Criteria: Invitae Variant Classification Sherloc (09022015). Collection method: clinical testing. Allele origin: germline.
Comment: This sequence change replaces glutamic acid, which is acidic and polar, with glutamine, which is neutral and polar, at codon 51 of the ILK protein (p.Glu51Gln). This variant is present in population databases (rs762978553, gnomAD 0.003%). This variant has not been reported in the literature in individuals affected with ILK-related conditions. An algorithm developed to predict the effect of missense changes on protein structure and function (PolyPhen-2) suggests that this variant is likely to be tolerated. In summary, the available evidence is currently insufficient to determine the role of this variant in disease. Therefore, it has been classified as a Variant of Uncertain Significance.

NM_004517.4(ILK):c.151G>C (p.Glu51Gln)

Genes: ILK (integrin linked kinase; plus strand), TAF10 (TATA-box binding protein associated factor 10; minus strand). Cytogenetic location: 11p15.4.
Variant type: single nucleotide variant.
Coding change: c.151G>C on transcript NM_004517.4 (MANE Select); coding-DNA position 151, G replaced by C.
Protein change: p.Glu51Gln; replaces glutamic acid 51 with glutamine.
Molecular consequence: missense variant. On other transcripts: 3 prime UTR variant (1), intron variant (1).
Genome position (GRCh38, 1-based): chr11:6,608,107, G>C. VCF-style: chr11-6608107-G-C. GRCh37 (hg19) VCF-style: chr11-6629337-G-C.
Other names: c.151G>C, p.Glu51Gln (NM_001014794.3, NM_001014795.3, NM_001278441.2); c.*2815C>G (NM_006284.4); c.-147-287G>C (NM_001278442.2); short protein forms E51Q.
Identifiers: ClinVar variation 2724874 (VCV002724874.3), dbSNP rs762978553, ClinGen allele CA5857957.